The following is an entry in ClinVar:

ClinVar aggregate classification (germline): Uncertain significance (1 of 4 stars; one submission).

Conditions:
Brugada syndrome. Also called: Sudden unexpected nocturnal death syndrome; Sudden Unexplained Death Syndrome; Sudden Unexplained Nocturnal Death Syndrome (SUNDS); Sudden unexplained nocturnal death syndrome. Identifiers: Orphanet 130, MedGen C1142166, MONDO:0015263.

Allele frequency attached by ClinVar (database versions not stated): ExAC 0.00001.
gnomAD v4.1: 1 of 1,613,034 alleles (0.000062%); highest among the groups gnomAD compares: Non-Finnish European, 0.000085%; no homozygotes.

Submission:

Labcorp Genetics (formerly Invitae), Labcorp
Classification: Uncertain significance for Brugada syndrome. Last evaluated: 2021-08-01. Review status: criteria provided, single submitter. Criteria: Invitae Variant Classification Sherloc (09022015). Collection method: clinical testing. Allele origin: germline.
Comment: In summary, the available evidence is currently insufficient to determine the role of this variant in disease. Therefore, it has been classified as a Variant of Uncertain Significance. Algorithms developed to predict the effect of missense changes on protein structure and function (SIFT, PolyPhen-2, Align-GVGD) all suggest that this variant is likely to be tolerated. This variant has not been reported in the literature in individuals affected with CACNA2D1-related conditions. This variant is present in population databases (rs769700955, ExAC 0.001%). This sequence change replaces aspartic acid with asparagine at codon 85 of the CACNA2D1 protein (p.Asp85Asn). The aspartic acid residue is moderately conserved and there is a small physicochemical difference between aspartic acid and asparagine.

NM_000722.4(CACNA2D1):c.253G>A (p.Asp85Asn)

Gene: CACNA2D1 (calcium voltage-gated channel auxiliary subunit alpha2delta 1; minus strand). Cytogenetic location: 7q21.11.
Variant type: single nucleotide variant.
Coding change: c.253G>A on transcript NM_000722.4 (MANE Select); coding-DNA position 253, G replaced by A.
Protein change: p.Asp85Asn; replaces aspartic acid 85 with asparagine.
Molecular consequence: missense variant.
Genome position (GRCh38, 1-based): chr7:82,335,176, C>T on the plus strand (G>A on the coding strand, the complement: CACNA2D1 is on the minus strand). VCF-style: chr7-82335176-C-T. GRCh37 (hg19) VCF-style: chr7-81964492-C-T.
Other names: c.253G>A, p.Asp85Asn (NM_001302890.2, NM_001366867.1); short protein forms D85N.
Identifiers: ClinVar variation 1433666 (VCV001433666.6), dbSNP rs769700955, ClinGen allele CA4318438.